The following is an entry in ClinVar:

ClinVar aggregate classification (germline): Uncertain significance (1 of 4 stars; one submission).

Conditions:
COG4-congenital disorder of glycosylation. Also called: CONGENITAL DISORDER OF GLYCOSYLATION, TYPE IIj; CDG IIj; COG4-CDG. Identifiers: Orphanet 263501, MedGen C4303552, MONDO:0013281, OMIM 613489.

Submission:

Labcorp Genetics (formerly Invitae), Labcorp
Classification: Uncertain significance for COG4-congenital disorder of glycosylation. Last evaluated: 2021-03-11. Review status: criteria provided, single submitter. Criteria: Invitae Variant Classification Sherloc (09022015). Collection method: clinical testing. Allele origin: germline.
Comment: This variant has not been reported in the literature in individuals with COG4-related disease. This variant is not present in population databases (ExAC no frequency). This sequence change replaces methionine with threonine at codon 78 of the COG4 protein (p.Met78Thr). The methionine residue is highly conserved and there is a moderate physicochemical difference between methionine and threonine. Algorithms developed to predict the effect of missense changes on protein structure and function do not agree on the potential impact of this missense change (SIFT: "Tolerated"; PolyPhen-2: "Possibly Damaging"; Align-GVGD: "Class C0"). In summary, the available evidence is currently insufficient to determine the role of this variant in disease. Therefore, it has been classified as a Variant of Uncertain Significance.

NM_015386.3(COG4):c.233T>C (p.Met78Thr)

Gene: COG4 (component of oligomeric golgi complex 4; minus strand). Cytogenetic location: 16q22.1.
Variant type: single nucleotide variant.
Coding change: c.233T>C on transcript NM_015386.3 (MANE Select); coding-DNA position 233, T replaced by C.
Protein change: p.Met78Thr; replaces methionine 78 with threonine.
Molecular consequence: missense variant. On other transcripts: 5 prime UTR variant (1), non-coding transcript variant (1).
Genome position (GRCh38, 1-based): chr16:70,519,670, A>G on the plus strand (T>C on the coding strand, the complement: COG4 is on the minus strand). VCF-style: chr16-70519670-A-G. GRCh37 (hg19) VCF-style: chr16-70553573-A-G.
Other names: c.221T>C, p.Met74Thr (NM_001195139.2); c.-367T>C (NM_001365426.1); short protein forms M78T, M74T.
Identifiers: ClinVar variation 1506850 (VCV001506850.8), dbSNP rs2151765539, ClinGen allele CA396580243.